The following is an entry in ClinVar:

ClinVar aggregate classification (germline): Pathogenic (1 of 4 stars; one submission).

Conditions:
Acid sphingomyelinase deficiency. Identifiers: Orphanet 618899, MedGen C5243927, MONDO:0100464.

Submission:

Myriad Genetics, Inc.
Classification: Pathogenic for Acid sphingomyelinase deficiency. Last evaluated: 2024-06-23. Review status: criteria provided, single submitter. Criteria: Myriad Autosomal Dominant, Autosomal Recessive and X-Linked Classification Criteria (2023). Collection method: clinical testing. Allele origin: unknown.
Comment: NM_000543.4(SMPD1):c.1021delC(R341Afs*44) is expected to be pathogenic in the context of Niemann-Pick disease, SMPD1-related. This variant is predicted to lead to an abnormal or absent protein product due to the creation of a premature termination codon in SMPD1, a gene where loss-of-function variants are known to be pathogenic. Please note: this variant was assessed in the context of healthy population screening.

NM_000543.5(SMPD1):c.1021del (p.Arg341fs)

Gene: SMPD1 (sphingomyelin phosphodiesterase 1; plus strand). Cytogenetic location: 11p15.4.
Variant type: Deletion.
Coding change: c.1021del on transcript NM_000543.5 (MANE Select); coding-DNA position 1021, one base deleted (C; older notation c.1021delC).
Protein change: p.Arg341fs; shifts the reading frame from arginine 341.
Molecular consequence: frameshift variant. On other transcripts: non-coding transcript variant (1).
Genome position (GRCh38, 1-based): chr11:6,392,086, C deleted; the last of 3 consecutive C bases (chr11:6,392,084-6,392,086); deleting any one gives the same sequence. VCF-style (leftmost placement, unchanged base first): chr11-6392083-TC-T. GRCh37 (hg19) VCF-style: chr11-6413313-TC-T.
Other names: c.1018del, p.Arg340fs (NM_001007593.3); c.1021del, p.Arg341fs (NM_001318087.2, NM_001365135.2); c.60del, p.Ala21fs (NM_001318088.2); short protein forms A21fs, R340fs, R341fs.
Identifiers: ClinVar variation 5013233 (VCV005013233.1).